The following is an entry in ClinVar:

NM_001009899.4(USF3):c.5278A>G (p.Ile1760Val)

Gene: USF3 (upstream transcription factor family member 3; minus strand). Cytogenetic location: 3q13.2.
Variant type: single nucleotide variant.
Coding change: c.5278A>G on transcript NM_001009899.4 (MANE Select); coding-DNA position 5278, A replaced by G.
Protein change: p.Ile1760Val; replaces isoleucine 1760 with valine.
Molecular consequence: missense variant.
Genome position (GRCh38, 1-based): chr3:113,656,404, T>C on the plus strand (A>G on the coding strand, the complement: USF3 is on the minus strand). VCF-style: chr3-113656404-T-C. GRCh37 (hg19) VCF-style: chr3-113375251-T-C.
Other names: c.5278A>G (NM_001009899.2); short protein forms I1760V.
Identifiers: ClinVar variation 2654046 (VCV002654046.25), dbSNP rs186056495, ClinGen allele CA2546691.
Genomic context (GRCh38, chr3:113,656,404, plus strand): 5'-TTTGACTAATTCGAAAAGCCTGGGACTGCATACTCCGCAATGATGATACAGGGTTACCTA[T>C]TTCATTGTTTCTTGAAGATTGTACTTCAAAATTACTCTGGGGCTGTTGACTAGCTCCACT-3'
Protein context (NP_001009899.3, residues 1750-1770): FEVQSSRNNE[Ile1760Val]GNPVSSLRSM

ClinVar aggregate classification (germline): Conflicting classifications of pathogenicity. Review status: criteria provided, conflicting classifications (1 of 4 stars). 2 submissions from 2 submitters: Uncertain significance (1); Likely benign (1). Last evaluated 2025-08-04.

Allele frequency attached by ClinVar (database versions not stated): gnomAD exomes 0.00015; ExAC 0.00044; ESP Exome Variant Server 0.00109; gnomAD 0.00159; TOPMed 0.00182; 1000 Genomes Project 0.00220; 1000 Genomes Project 30x 0.00234.
gnomAD v4.1: 462 of 1,614,198 alleles (0.029%); highest among the groups gnomAD compares: African/African-American, 0.53%; 1 homozygote.

Submissions (2):

Ambry Genetics
Classification: Uncertain significance. Last evaluated: 2025-08-04. Review status: criteria provided, single submitter. Criteria: Ambry Variant Classification Scheme 2023. Collection method: clinical testing. Allele origin: germline.

CeGaT Center for Human Genetics Tuebingen
Classification: Likely benign. Last evaluated: 2022-12-01. Review status: criteria provided, single submitter. Criteria: CeGaT Center For Human Genetics Tuebingen Variant Classification Criteria Version 2. Collection method: clinical testing. Allele origin: germline. Affected: yes. Observed: 1 variant allele.
Comment: USF3: BP4, BS1